The following is an entry in ClinVar:

NM_000264.5(PTCH1):c.1847+1G>T

Genes: PTCH1 (patched 1; minus strand), LOC100507346 (uncharacterized LOC100507346; plus strand). Cytogenetic location: 9q22.32.
Variant type: single nucleotide variant.
Coding change: c.1847+1G>T on transcript NM_000264.5 (MANE Select); the canonical splice donor site of the intron after coding-DNA position 1847, G replaced by T.
Molecular consequence: splice donor variant. On other transcripts: non-coding transcript variant (1).
Genome position (GRCh38, 1-based): chr9:95,469,812, C>A on the plus strand (G>T on the coding strand, the complement: PTCH1 is on the minus strand). VCF-style: chr9-95469812-C-A. GRCh37 (hg19) VCF-style: chr9-98232094-C-A.
Other names: c.1847+1G>T (NM_000264.3); c.1844+1G>T (NM_001083603.3); c.1649+1G>T (NM_001083602.3); c.1691+1G>T (NM_001354918.2); c.1394+1G>T (NM_001083605.3, NM_001083604.3, NM_001083606.3 and 1 more transcripts).
Identifiers: ClinVar variation 3012556 (VCV003012556.4), dbSNP rs1840398430, ClinGen allele CA374116209.

ClinVar aggregate classification (germline): Pathogenic. Review status: criteria provided, single submitter (1 of 4 stars). 2 submissions from 2 submitters: Pathogenic (1). 1 of the submissions does not count toward it. Last evaluated 2025-01-15.

Conditions:
Gorlin syndrome. Also called: Nevoid Basal Cell Carcinoma Syndrome; Basal cell nevus syndrome. Identifiers: Orphanet 377, MedGen C0004779, MONDO:0007187.
PTCH1-related disorder. Also called: PTCH1-related disorders; PTCH1-related condition.

Submissions (2):

Labcorp Genetics (formerly Invitae), Labcorp
Classification: Pathogenic for Gorlin syndrome. Last evaluated: 2025-01-15. Review status: criteria provided, single submitter. Criteria: Invitae Variant Classification Sherloc (09022015). Collection method: clinical testing. Allele origin: germline.
Comment: This sequence change affects a donor splice site in intron 13 of the PTCH1 gene. It is expected to disrupt RNA splicing. Variants that disrupt the donor or acceptor splice site typically lead to a loss of protein function (PMID: 16199547), and loss-of-function variants in PTCH1 are known to be pathogenic (PMID: 16301862, 16419085). This variant is not present in population databases (gnomAD no frequency). Disruption of this splice site has been observed in individuals with nevoid basal cell carcinoma syndrome (PMID: 27561271; internal data). ClinVar contains an entry for this variant (Variation ID: 3012556). Algorithms developed to predict the effect of sequence changes on RNA splicing suggest that this variant may disrupt the consensus splice site. For these reasons, this variant has been classified as Pathogenic.

PreventionGenetics, part of Exact Sciences
Classification: Likely pathogenic for PTCH1-related condition. Last evaluated: 2024-07-23. Review status: no assertion criteria provided. Collection method: clinical testing. Allele origin: germline. Not counted in ClinVar's aggregate classification.
Comment: The PTCH1 c.1847+1G>T variant is predicted to disrupt the GT donor site and interfere with normal splicing. To our knowledge, this variant has not been reported in the literature or in a large population database, indicating it is rare. A different nucleotide substitution affecting the same position (c.1847+1G>A) was reported in an individual with features of nevoid basal cell carcinoma syndrome and found to affect splicing (Kato C et al. 2017. PubMed ID: 27561271). Variants that disrupt consensus splice donor sites in PTCH1 are expected to be pathogenic. The c.1847+1G>T variant is interpreted as likely pathogenic.

Literature cited by the submitters: PubMed 16199547 (cited by Labcorp Genetics (formerly Invitae), Labcorp); PubMed 16301862 (cited by Labcorp Genetics (formerly Invitae), Labcorp); PubMed 16419085 (cited by Labcorp Genetics (formerly Invitae), Labcorp); PubMed 27561271 (cited by Labcorp Genetics (formerly Invitae), Labcorp).